The following is an entry in ClinVar:

NM_058216.3(RAD51C):c.671A>G (p.Tyr224Cys)

Genes: RAD51C (RAD51 paralog C; plus strand), LOC129390903 (MPRA-validated peak2919 silencer; plus strand). Cytogenetic location: 17q22.
Variant type: single nucleotide variant.
Coding change: c.671A>G on transcript NM_058216.3 (MANE Select); coding-DNA position 671, A replaced by G.
Protein change: p.Tyr224Cys; replaces tyrosine 224 with cysteine.
Molecular consequence: missense variant. On other transcripts: non-coding transcript variant (1).
Genome position (GRCh38, 1-based): chr17:58,703,295, A>G. VCF-style: chr17-58703295-A-G. GRCh37 (hg19) VCF-style: chr17-56780656-A-G.
Other names: p.Y224C:TAT>TGT; short protein forms Y224C.
Identifiers: ClinVar variation 182826 (VCV000182826.12), dbSNP rs730881924, ClinGen allele CA299858.

ClinVar aggregate classification (germline): Conflicting classifications of pathogenicity. Review status: criteria provided, conflicting classifications (1 of 4 stars). 3 submissions from 3 submitters: Uncertain significance (2); Likely benign (1). Last evaluated 2025-09-25.

Conditions:
Hereditary cancer-predisposing syndrome. Also called: Hereditary Cancer Syndrome; Tumor predisposition; Neoplastic Syndromes, Hereditary; Hereditary neoplastic syndrome. Identifiers: Orphanet 140162, MedGen C0027672, MeSH D009386, MONDO:0015356.
Fanconi anemia complementation group O. Also called: RAD51C-Related Fanconi Anemia. Identifiers: Orphanet 84, MedGen C3150653, MONDO:0013248, OMIM 613390.

Submissions (3):

Ambry Genetics
Classification: Likely benign for Hereditary cancer-predisposing syndrome. Last evaluated: 2025-09-25. Review status: criteria provided, single submitter. Criteria: Ambry Variant Classification Scheme 2023. Collection method: clinical testing. Allele origin: germline.

Labcorp Genetics (formerly Invitae), Labcorp
Classification: Uncertain significance for Fanconi anemia complementation group O. Last evaluated: 2023-02-22. Review status: criteria provided, single submitter. Criteria: Invitae Variant Classification Sherloc (09022015). Collection method: clinical testing. Allele origin: germline.
Comment: In summary, the available evidence is currently insufficient to determine the role of this variant in disease. Therefore, it has been classified as a Variant of Uncertain Significance. Advanced modeling of protein sequence and biophysical properties (such as structural, functional, and spatial information, amino acid conservation, physicochemical variation, residue mobility, and thermodynamic stability) performed at Invitae indicates that this missense variant is not expected to disrupt RAD51C protein function. ClinVar contains an entry for this variant (Variation ID: 182826). This variant has not been reported in the literature in individuals affected with RAD51C-related conditions. This variant is not present in population databases (gnomAD no frequency). This sequence change replaces tyrosine, which is neutral and polar, with cysteine, which is neutral and slightly polar, at codon 224 of the RAD51C protein (p.Tyr224Cys).

GeneDx
Classification: Uncertain significance. Last evaluated: 2014-07-07. Review status: criteria provided, single submitter. Criteria: GeneDx Variant Classification (06012015). Collection method: clinical testing. Allele origin: germline. Affected: yes.
Comment: This variant is denoted RAD51C c.671A>G at the cDNA level, p.Tyr224Cys (Y224C) at the protein level, and results in the change of a Tyrosine to a Cysteine (TAT>TGT). This variant has not, to our knowledge, been published in the literature as pathogenic or benign. RAD51C Tyr224Cys was not observed in approximately 6,500 individuals of European and African American ancestry in the NHLBI Exome Sequencing Project, indicating it is not a common benign variant in these populations. Since Tyrosine and Cysteine differ in polarity, charge, size or other properties, this is considered a non-conservative amino acid substitution. RAD51C Tyr224Cys occurs at a position that is moderately conserved across species and is not located in a known functional domain. In silico analyses are inconsistent regarding the effect this variant may have on protein structure and function. Based on currently available information, it is unclear whether RAD51C Tyr224Cys is pathogenic or benign. We consider it to be a variant of uncertain significance.